The following is an entry in ClinVar:

NM_019842.4(KCNQ5):c.424A>G (p.Ile142Val)

Gene: KCNQ5 (potassium voltage-gated channel subfamily Q member 5; plus strand). Cytogenetic location: 6q13.
Variant type: single nucleotide variant.
Coding change: c.424A>G on transcript NM_019842.4 (MANE Select); coding-DNA position 424, A replaced by G.
Protein change: p.Ile142Val; replaces isoleucine 142 with valine.
Molecular consequence: missense variant.
Genome position (GRCh38, 1-based): chr6:73,003,933, A>G. VCF-style: chr6-73003933-A-G. GRCh37 (hg19) VCF-style: chr6-73713656-A-G.
Other names: c.424A>G, p.Ile142Val (NM_001160130.2, NM_001160132.2, NM_001160133.2 and 1 more transcripts); short protein forms I142V.
Identifiers: ClinVar variation 1393919 (VCV001393919.6), dbSNP rs2150323060, ClinGen allele CA364824893.

ClinVar aggregate classification (germline): Uncertain significance (1 of 4 stars; one submission).

Submission:

Labcorp Genetics (formerly Invitae), Labcorp
Classification: Uncertain significance. Last evaluated: 2024-11-05. Review status: criteria provided, single submitter. Criteria: Invitae Variant Classification Sherloc (09022015). Collection method: clinical testing. Allele origin: germline.
Comment: This sequence change replaces isoleucine, which is neutral and non-polar, with valine, which is neutral and non-polar, at codon 142 of the KCNQ5 protein (p.Ile142Val). This variant is not present in population databases (gnomAD no frequency). This variant has not been reported in the literature in individuals affected with KCNQ5-related conditions. ClinVar contains an entry for this variant (Variation ID: 1393919). Invitae Evidence Modeling of protein sequence and biophysical properties (such as structural, functional, and spatial information, amino acid conservation, physicochemical variation, residue mobility, and thermodynamic stability) indicates that this missense variant is not expected to disrupt KCNQ5 protein function with a negative predictive value of 80%. In summary, the available evidence is currently insufficient to determine the role of this variant in disease. Therefore, it has been classified as a Variant of Uncertain Significance.